The following is an entry in ClinVar:

NM_001394372.1(BICRA):c.2097C>G (p.Phe699Leu)

Gene: BICRA (BRD4 interacting chromatin remodeling complex associated protein; plus strand). Cytogenetic location: 19q13.33.
Variant type: single nucleotide variant.
Coding change: c.2097C>G on transcript NM_001394372.1 (MANE Select); coding-DNA position 2097, C replaced by G.
Protein change: p.Phe699Leu; replaces phenylalanine 699 with leucine.
Molecular consequence: missense variant.
Genome position (GRCh38, 1-based): chr19:47,681,267, C>G. VCF-style: chr19-47681267-C-G. GRCh37 (hg19) VCF-style: chr19-48184524-C-G.
Other names: c.2097C>G, p.Phe699Leu (NM_015711.3); short protein forms F699L.
Identifiers: ClinVar variation 2480237 (VCV002480237.2), dbSNP rs1371467515, ClinGen allele CA406616938.

ClinVar aggregate classification (germline): Uncertain significance (1 of 4 stars; one submission).

Allele frequency attached by ClinVar (database versions not stated): TOPMed below 0.00001; gnomAD 0.00001.
gnomAD v4.1: 4 of 1,541,086 alleles (0.00026%); highest among the groups gnomAD compares: Non-Finnish European, 0.00035%; no homozygotes.

Submission:

Ambry Genetics
Classification: Uncertain significance. Last evaluated: 2023-03-10. Review status: criteria provided, single submitter. Criteria: Ambry Variant Classification Scheme 2023. Collection method: clinical testing. Allele origin: germline.
Comment: The c.2097C>G (p.F699L) alteration is located in exon 6 (coding exon 4) of the GLTSCR1 gene. This alteration results from a C to G substitution at nucleotide position 2097, causing the phenylalanine (F) at amino acid position 699 to be replaced by a leucine (L). Based on data from gnomAD, the G allele has an overall frequency of 0.001% (1/144328) total alleles studied. The highest observed frequency was 0.002% (1/58934) of European (non-Finnish) alleles. This amino acid position is well conserved in available vertebrate species. This alteration is predicted to be tolerated by in silico analysis. Based on insufficient or conflicting evidence, the clinical significance of this alteration remains unclear.